The following is an entry in ClinVar:

ClinVar aggregate classification (germline): Uncertain significance (1 of 4 stars; one submission).

Conditions:
Peroxisome biogenesis disorder 5A (Zellweger) (PBD5A). Identifiers: Orphanet 912, MedGen C3553940, MONDO:0013932, OMIM 614866.

Allele frequency attached by ClinVar (database versions not stated): TOPMed below 0.00001; gnomAD exomes 0.00001; ExAC 0.00002; gnomAD 0.00002.

Submission:

Labcorp Genetics (formerly Invitae), Labcorp
Classification: Uncertain significance for Peroxisome biogenesis disorder 5A (Zellweger). Last evaluated: 2020-12-20. Review status: criteria provided, single submitter. Criteria: Invitae Variant Classification Sherloc (09022015). Collection method: clinical testing. Allele origin: germline.
Comment: This sequence change replaces tryptophan with arginine at codon 61 of the PEX2 protein (p.Trp61Arg). The tryptophan residue is moderately conserved and there is a moderate physicochemical difference between tryptophan and arginine. This variant is present in population databases (rs772704218, ExAC 0.006%). This variant has not been reported in the literature in individuals with PEX2-related conditions. Algorithms developed to predict the effect of missense changes on protein structure and function (SIFT, PolyPhen-2, Align-GVGD) all suggest that this variant is likely to be tolerated, but these predictions have not been confirmed by published functional studies and their clinical significance is uncertain. In summary, the available evidence is currently insufficient to determine the role of this variant in disease. Therefore, it has been classified as a Variant of Uncertain Significance.

NM_000318.3(PEX2):c.181T>C (p.Trp61Arg)

Gene: PEX2 (peroxisomal biogenesis factor 2; minus strand). Cytogenetic location: 8q21.13.
Variant type: single nucleotide variant.
Coding change: c.181T>C on transcript NM_000318.3 (MANE Select); coding-DNA position 181, T replaced by C.
Protein change: p.Trp61Arg; replaces tryptophan 61 with arginine.
Molecular consequence: missense variant.
Genome position (GRCh38, 1-based): chr8:76,983,998, A>G on the plus strand (T>C on the coding strand, the complement: PEX2 is on the minus strand). VCF-style: chr8-76983998-A-G. GRCh37 (hg19) VCF-style: chr8-77896234-A-G.
Other names: c.181T>C, p.Trp61Arg (NM_001079867.2, NM_001172086.2, NM_001172087.2); short protein forms W61R.
Identifiers: ClinVar variation 1525775 (VCV001525775.8), dbSNP rs772704218, ClinGen allele CA4788758.